The following is an entry in ClinVar:

ClinVar aggregate classification (germline): Uncertain significance. Review status: criteria provided, single submitter (1 of 4 stars). 2 submissions from 2 submitters: Uncertain significance (1). 1 of the submissions does not count toward it. Last evaluated 2023-06-09.

Conditions:
Autosomal dominant polycystic liver disease. Also called: Polycystic liver disease; Congenital cystic disease of liver. Identifiers: Orphanet 2924, MedGen C0158683, MONDO:0000447, HP:0006557.

Allele frequency attached by ClinVar (database versions not stated): gnomAD 0.00001; TOPMed 0.00001; ExAC 0.00002; gnomAD exomes 0.00002.
gnomAD v4.1: 24 of 1,607,260 alleles (0.0015%); highest among the groups gnomAD compares: Non-Finnish European, 0.002%; no homozygotes.

Submissions (2):

Labcorp Genetics (formerly Invitae), Labcorp
Classification: Uncertain significance. Last evaluated: 2023-06-09. Review status: criteria provided, single submitter. Criteria: Invitae Variant Classification Sherloc (09022015). Collection method: clinical testing. Allele origin: germline.
Comment: ClinVar contains an entry for this variant (Variation ID: 1255597). In summary, the available evidence is currently insufficient to determine the role of this variant in disease. Therefore, it has been classified as a Variant of Uncertain Significance. An algorithm developed to predict the effect of missense changes on protein structure and function (PolyPhen-2) suggests that this variant is likely to be tolerated. This variant has not been reported in the literature in individuals affected with GANAB-related conditions. This variant is present in population databases (rs532590295, gnomAD 0.004%). This sequence change replaces leucine, which is neutral and non-polar, with phenylalanine, which is neutral and non-polar, at codon 128 of the GANAB protein (p.Leu128Phe).

Laboratory of Gastroenterology and Hepatology, Radboud University Medical Center
Classification: Benign for Autosomal dominant polycystic liver disease. Last evaluated: 2021-09-01. Review status: no assertion criteria provided. Collection method: research. Allele origin: germline. Affected: yes. Not counted in ClinVar's aggregate classification.

NM_198334.3(GANAB):c.382C>T (p.Leu128Phe)

Gene: GANAB (glucosidase II alpha subunit; minus strand). Cytogenetic location: 11q12.3.
Variant type: single nucleotide variant.
Coding change: c.382C>T on transcript NM_198334.3 (MANE Select); coding-DNA position 382, C replaced by T.
Protein change: p.Leu128Phe; replaces leucine 128 with phenylalanine.
Molecular consequence: missense variant. On other transcripts: 5 prime UTR variant (2).
Genome position (GRCh38, 1-based): chr11:62,634,999, G>A on the plus strand (C>T on the coding strand, the complement: GANAB is on the minus strand). VCF-style: chr11-62634999-G-A. GRCh37 (hg19) VCF-style: chr11-62402471-G-A.
Other names: c.40C>T, p.Leu14Phe (NM_001278192.2, NM_001278193.2); c.91C>T, p.Leu31Phe (NM_001278194.2, NM_001329222.2, NM_001329223.2); c.-395C>T (NM_001329224.2, NM_001329225.2); c.382C>T, p.Leu128Phe (NM_198335.4); short protein forms L128F, L14F, L31F.
Identifiers: ClinVar variation 1255597 (VCV001255597.4), dbSNP rs532590295, ClinGen allele CA6051111.